The following is an entry in ClinVar:

ClinVar aggregate classification (germline): Benign. Review status: criteria provided, multiple submitters, no conflicts (2 of 4 stars). 4 submissions from 4 submitters: Benign (3). 1 of the submissions does not count toward it. Last evaluated 2026-02-03.

Conditions:
UBA5-related disorder. Also called: UBA5-related condition; UBA5-related disorders.

Allele frequency attached by ClinVar (database versions not stated): gnomAD exomes 0.15990 and 0.19089; ExAC 0.21874; ESP Exome Variant Server 0.22591; gnomAD 0.23542 and 0.23568; TOPMed 0.24086; 1000 Genomes Project 30x 0.32495; 1000 Genomes Project 0.32788.
gnomAD v4.1: 245,072 of 1,455,748 alleles (17%); highest among the groups gnomAD compares: East Asian, 59%; 27,994 homozygotes.

Submissions (4):

Labcorp Genetics (formerly Invitae), Labcorp
Classification: Benign. Last evaluated: 2026-02-03. Review status: criteria provided, single submitter. Criteria: Invitae Variant Classification Sherloc (09022015). Collection method: clinical testing. Allele origin: germline.

Blueprint Genetics
Classification: Benign. Last evaluated: 2024-11-26. Review status: criteria provided, single submitter. Criteria: ACMG Guidelines, 2015. Collection method: clinical testing. Allele origin: germline.

Breakthrough Genomics
Classification: Benign. Review status: criteria provided, single submitter. Criteria: ACMG Guidelines, 2015. Collection method: not provided. Allele origin: germline. Inheritance: Autosomal recessive inheritance. Affected: yes.

PreventionGenetics, part of Exact Sciences
Classification: Benign for UBA5-related condition. Last evaluated: 2021-07-16. Review status: no assertion criteria provided. Collection method: clinical testing. Allele origin: germline. Not counted in ClinVar's aggregate classification.
Comment: This variant is classified as benign based on ACMG/AMP sequence variant interpretation guidelines (Richards et al. 2015 PMID: 25741868, with internal and published modifications).

NM_024818.6(UBA5):c.1131+17A>T

Genes: NPHP3-ACAD11 (NPHP3-ACAD11 readthrough (NMD candidate); minus strand), UBA5 (ubiquitin like modifier activating enzyme 5; plus strand). Cytogenetic location: 3q22.1.
Variant type: single nucleotide variant.
Coding change: c.1131+17A>T on transcript NM_024818.6 (MANE Select); 17 bases into the intron after coding-DNA position 1131, A replaced by T.
Molecular consequence: intron variant.
Genome position (GRCh38, 1-based): chr3:132,675,940, A>T. VCF-style: chr3-132675940-A-T. GRCh37 (hg19) VCF-style: chr3-132394784-A-T.
Other names: c.963+17A>T (NM_198329.4, NM_001320210.2); c.795+17A>T (NM_001321239.1); c.861+17A>T (NM_001321238.2); c.1131+17A>T (NM_024818.4).
Identifiers: ClinVar variation 1600968 (VCV001600968.11), dbSNP rs12635575, ClinGen allele CA2621543.